The following is an entry in ClinVar:

ClinVar aggregate classification (germline): Uncertain significance (1 of 4 stars; one submission).

Conditions:
Early-onset Lafora body disease. Also called: Epilepsy, progressive myoclonic, 10. Identifiers: Orphanet 324290, MedGen C4225258, MONDO:0014717, OMIM 616640.

Submission:

Labcorp Genetics (formerly Invitae), Labcorp
Classification: Uncertain significance for Early-onset Lafora body disease. Last evaluated: 2024-06-03. Review status: criteria provided, single submitter. Criteria: Invitae Variant Classification Sherloc (09022015). Collection method: clinical testing. Allele origin: germline.
Comment: This variant, c.1767_1775dup, results in the insertion of 3 amino acid(s) of the PRDM8 protein (p.Ala596_Ala598dup), but otherwise preserves the integrity of the reading frame. This variant is present in population databases (no rsID available, gnomAD 0.004%). This variant has not been reported in the literature in individuals affected with PRDM8-related conditions. ClinVar contains an entry for this variant (Variation ID: 639513). Experimental studies and prediction algorithms are not available or were not evaluated, and the functional significance of this variant is currently unknown. In summary, the available evidence is currently insufficient to determine the role of this variant in disease. Therefore, it has been classified as a Variant of Uncertain Significance.

NM_001099403.2(PRDM8):c.1767_1775dup (p.Ala596_Ala598dup)

Gene: PRDM8 (PR/SET domain 8; plus strand). Cytogenetic location: 4q21.21.
Variant type: Duplication.
Coding change: c.1767_1775dup on transcript NM_001099403.2 (MANE Select); coding-DNA positions 1767 to 1775, 9 bases duplicated (TGCAGCCGC; older notation c.1767_1775dupTGCAGCCGC).
Protein change: p.Ala596_Ala598dup.
Molecular consequence: inframe insertion.
Genome position (GRCh38, 1-based): chr4:80,203,229-80,203,237, TGCAGCCGC duplicated; duplicating any 9 consecutive bases within chr4:80,203,224-80,203,237 gives the same sequence; the c. name uses the placement nearest the transcript's 3' end. VCF-style (leftmost placement, unchanged base first): chr4-80203223-T-TGCCGCTGCA. GRCh37 (hg19) VCF-style: chr4-81124377-T-TGCCGCTGCA.
Other names: c.1767_1775dup, p.Ala596_Ala598dup (NM_020226.4); c.1767_1775dupTGCAGCCGC (NM_020226.3).
Identifiers: ClinVar variation 639513 (VCV000639513.8), dbSNP rs1480528424, ClinGen allele CA440227439.